The following is an entry in ClinVar:

NM_001170700.3(DTHD1):c.1010G>A (p.Gly337Asp)

Gene: DTHD1 (death domain containing 1; plus strand). Cytogenetic location: 4p14.
Variant type: single nucleotide variant.
Coding change: c.1010G>A on transcript NM_001170700.3 (MANE Select); coding-DNA position 1010, G replaced by A.
Protein change: p.Gly337Asp; replaces glycine 337 with aspartic acid.
Molecular consequence: missense variant. On other transcripts: non-coding transcript variant (2).
Genome position (GRCh38, 1-based): chr4:36,290,495, G>A. VCF-style: chr4-36290495-G-A. GRCh37 (hg19) VCF-style: chr4-36292117-G-A.
Other names: c.140G>A, p.Gly47Asp (NM_001136536.5, NM_001378435.1); short protein forms G47D, G337D.
Identifiers: ClinVar variation 1504177 (VCV001504177.8), dbSNP rs2109453259, ClinGen allele CA356678832.
Genomic context (GRCh38, chr4:36,290,495, plus strand): 5'-CATATGTTCTACAACAACTAGAATGCCGGATAATAAATCACATGAGTTCTTTAATAGTGG[G>A]TGATAATGAAGAGTTAGTTAGCAACGTCATAACTATTGAATGCTCAGATAAGGAAAAGAG-3'
Protein context (NP_001164171.2, residues 327-347): IINHMSSLIV[Gly337Asp]DNEELVSNVI

ClinVar aggregate classification (germline): Uncertain significance (1 of 4 stars; one submission).

gnomAD v4.1: 1 of 1,551,704 alleles (0.000064%); highest among the groups gnomAD compares: Non-Finnish European, 0.000087%; no homozygotes.

Submission:

Labcorp Genetics (formerly Invitae), Labcorp
Classification: Uncertain significance. Last evaluated: 2021-07-08. Review status: criteria provided, single submitter. Criteria: Invitae Variant Classification Sherloc (09022015). Collection method: clinical testing. Allele origin: germline.
Comment: This sequence change replaces glycine with aspartic acid at codon 47 of the DTHD1 protein (p.Gly47Asp). The glycine residue is weakly conserved and there is a moderate physicochemical difference between glycine and aspartic acid. This variant is not present in population databases (ExAC no frequency). This variant has not been reported in the literature in individuals affected with DTHD1-related conditions. Algorithms developed to predict the effect of missense changes on protein structure and function (SIFT, PolyPhen-2, Align-GVGD) all suggest that this variant is likely to be tolerated. In summary, the available evidence is currently insufficient to determine the role of this variant in disease. Therefore, it has been classified as a Variant of Uncertain Significance.